The following is an entry in ClinVar:

NM_020778.5(ALPK3):c.2608C>T (p.Leu870Phe)

Gene: ALPK3 (alpha kinase 3; plus strand). Cytogenetic location: 15q25.3.
Variant type: single nucleotide variant.
Coding change: c.2608C>T on transcript NM_020778.5 (MANE Select); coding-DNA position 2608, C replaced by T.
Protein change: p.Leu870Phe; replaces leucine 870 with phenylalanine.
Molecular consequence: missense variant.
Genome position (GRCh38, 1-based): chr15:84,857,346, C>T. VCF-style: chr15-84857346-C-T. GRCh37 (hg19) VCF-style: chr15-85400577-C-T.
Other names: c.3214C>T (NM_020778.4); short protein forms L870F.
Identifiers: ClinVar variation 2826177 (VCV002826177.4), dbSNP rs2505720476, ClinGen allele CA393357768.

ClinVar aggregate classification (germline): Uncertain significance. Review status: criteria provided, multiple submitters, no conflicts (2 of 4 stars). 2 submissions from 2 submitters: Uncertain significance (2). Last evaluated 2025-07-21.

Conditions:
Cardiovascular phenotype. Identifiers: MedGen CN230736.

Allele frequency attached by ClinVar (database versions not stated): gnomAD exomes below 0.00001.

Submissions (2):

Ambry Genetics
Classification: Uncertain significance for Cardiovascular phenotype. Last evaluated: 2025-07-21. Review status: criteria provided, single submitter. Criteria: Ambry Variant Classification Scheme 2023. Collection method: clinical testing. Allele origin: germline.
Comment: The p.L1072F variant (also known as c.3214C>T), located in coding exon 6 of the ALPK3 gene, results from a C to T substitution at nucleotide position 3214. The leucine at codon 1072 is replaced by phenylalanine, an amino acid with highly similar properties. This amino acid position is conserved. In addition, this alteration is predicted to be tolerated by in silico analysis. Based on the available evidence, the clinical significance of this variant remains unclear.

Labcorp Genetics (formerly Invitae), Labcorp
Classification: Uncertain significance. Last evaluated: 2023-01-14. Review status: criteria provided, single submitter. Criteria: Invitae Variant Classification Sherloc (09022015). Collection method: clinical testing. Allele origin: germline.
Comment: In summary, the available evidence is currently insufficient to determine the role of this variant in disease. Therefore, it has been classified as a Variant of Uncertain Significance. Advanced modeling of protein sequence and biophysical properties (such as structural, functional, and spatial information, amino acid conservation, physicochemical variation, residue mobility, and thermodynamic stability) performed at Invitae indicates that this missense variant is not expected to disrupt ALPK3 protein function. This variant has not been reported in the literature in individuals affected with ALPK3-related conditions. This variant is not present in population databases (gnomAD no frequency). This sequence change replaces leucine, which is neutral and non-polar, with phenylalanine, which is neutral and non-polar, at codon 1072 of the ALPK3 protein (p.Leu1072Phe).